The following is an entry in ClinVar:

ClinVar aggregate classification (germline): Conflicting classifications of pathogenicity. Review status: criteria provided, conflicting classifications (1 of 4 stars). 4 submissions from 4 submitters: Uncertain significance (3); Likely benign (1). Last evaluated 2022-09-28.

Conditions:
Inborn genetic diseases. Identifiers: MedGen C0950123, MeSH D030342.

Allele frequency attached by ClinVar (database versions not stated): ExAC 0.00007; gnomAD exomes 0.00008 and 0.00016; TOPMed 0.00012; gnomAD 0.00013 and 0.00014; 1000 Genomes Project 30x 0.00031.
gnomAD v4.1: 251 of 1,613,010 alleles (0.016%); highest among the groups gnomAD compares: Non-Finnish European, 0.019%; no homozygotes.

Submissions (4):

Ambry Genetics
Classification: Uncertain significance for Inborn genetic diseases. Last evaluated: 2022-09-28. Review status: criteria provided, single submitter. Criteria: Ambry Variant Classification Scheme 2023. Collection method: clinical testing. Allele origin: germline.

CeGaT Center for Human Genetics Tuebingen
Classification: Likely benign. Last evaluated: 2022-09-01. Review status: criteria provided, single submitter. Criteria: CeGaT Center For Human Genetics Tuebingen Variant Classification Criteria Version 2. Collection method: clinical testing. Allele origin: germline. Affected: yes. Observed: 1 variant allele.
Comment: LAMC3: BP4

Labcorp Genetics (formerly Invitae), Labcorp
Classification: Uncertain significance. Last evaluated: 2022-07-05. Review status: criteria provided, single submitter. Criteria: Invitae Variant Classification Sherloc (09022015). Collection method: clinical testing. Allele origin: germline.
Comment: This sequence change replaces arginine, which is basic and polar, with cysteine, which is neutral and slightly polar, at codon 351 of the LAMC3 protein (p.Arg351Cys). This variant is present in population databases (rs201626968, gnomAD 0.009%). This variant has not been reported in the literature in individuals affected with LAMC3-related conditions. ClinVar contains an entry for this variant (Variation ID: 1336552). Algorithms developed to predict the effect of missense changes on protein structure and function (SIFT, PolyPhen-2, Align-GVGD) all suggest that this variant is likely to be disruptive. Algorithms developed to predict the effect of sequence changes on RNA splicing suggest that this variant may create or strengthen a splice site. In summary, the available evidence is currently insufficient to determine the role of this variant in disease. Therefore, it has been classified as a Variant of Uncertain Significance.

Genetic Services Laboratory, University of Chicago
Classification: Uncertain significance. Last evaluated: 2018-02-21. Review status: criteria provided, single submitter. Criteria: ACMG Guidelines, 2015. Collection method: clinical testing. Allele origin: germline. Affected: no.

NM_006059.4(LAMC3):c.1051C>T (p.Arg351Cys)

Gene: LAMC3 (laminin subunit gamma 3; plus strand). Cytogenetic location: 9q34.12.
Variant type: single nucleotide variant.
Coding change: c.1051C>T on transcript NM_006059.4 (MANE Select); coding-DNA position 1051, C replaced by T.
Protein change: p.Arg351Cys; replaces arginine 351 with cysteine.
Molecular consequence: missense variant.
Genome position (GRCh38, 1-based): chr9:131,038,938, C>T. VCF-style: chr9-131038938-C-T. GRCh37 (hg19) VCF-style: chr9-133914325-C-T.
Other names: short protein forms R351C.
Identifiers: ClinVar variation 1336552 (VCV001336552.33), dbSNP rs201626968, ClinGen allele CA5286926.